The following is an entry in ClinVar:

NM_001242896.3(DEPDC5):c.28G>A (p.Val10Ile)

Gene: DEPDC5 (DEP domain containing 5, GATOR1 subcomplex subunit; plus strand). Cytogenetic location: 22q12.2.
Variant type: single nucleotide variant.
Coding change: c.28G>A on transcript NM_001242896.3 (MANE Select); coding-DNA position 28, G replaced by A.
Protein change: p.Val10Ile; replaces valine 10 with isoleucine.
Molecular consequence: missense variant. On other transcripts: non-coding transcript variant (5).
Genome position (GRCh38, 1-based): chr22:31,754,949, G>A. VCF-style: chr22-31754949-G-A. GRCh37 (hg19) VCF-style: chr22-32150935-G-A.
Other names: c.28G>A, p.Val10Ile (NM_001007188.4, NM_001136029.4, NM_001242897.2 and 9 more transcripts); short protein forms V10I.
Identifiers: ClinVar variation 420294 (VCV000420294.12), dbSNP rs375027042, ClinGen allele CA10195783.

ClinVar aggregate classification (germline): Uncertain significance. Review status: criteria provided, multiple submitters, no conflicts (2 of 4 stars). 2 submissions from 2 submitters: Uncertain significance (2). Last evaluated 2025-06-18.

Conditions:
Familial focal epilepsy with variable foci (FPEVF). Identifiers: Orphanet 98820, MedGen C1858477, MONDO:0020310.

Allele frequency attached by ClinVar (database versions not stated): gnomAD 0.00001; gnomAD exomes 0.00001; ExAC 0.00002; TOPMed 0.00002; ESP Exome Variant Server 0.00008.
gnomAD v4.1: 5 of 1,614,070 alleles (0.00031%); highest among the groups gnomAD compares: Non-Finnish European, 0.000085%; no homozygotes.

Submissions (2):

Labcorp Genetics (formerly Invitae), Labcorp
Classification: Uncertain significance for Familial focal epilepsy with variable foci. Last evaluated: 2025-06-18. Review status: criteria provided, single submitter. Criteria: Invitae Variant Classification Sherloc (09022015). Collection method: clinical testing. Allele origin: germline.
Comment: This sequence change replaces valine, which is neutral and non-polar, with isoleucine, which is neutral and non-polar, at codon 10 of the DEPDC5 protein (p.Val10Ile). This variant is present in population databases (rs375027042, gnomAD 0.007%). This variant has not been reported in the literature in individuals affected with DEPDC5-related conditions. ClinVar contains an entry for this variant (Variation ID: 420294). Experimental studies and prediction algorithms are not available or were not evaluated, and the functional significance of this variant is currently unknown. In summary, the available evidence is currently insufficient to determine the role of this variant in disease. Therefore, it has been classified as a Variant of Uncertain Significance.

GeneDx
Classification: Uncertain significance. Last evaluated: 2020-03-11. Review status: criteria provided, single submitter. Criteria: GeneDx Variant Classification Process June 2021. Collection method: clinical testing. Allele origin: germline. Affected: yes.
Comment: In silico analysis supports that this missense variant does not alter protein structure/function; Has not been previously published as pathogenic or benign to our knowledge